The following is an entry in ClinVar:

NM_032447.5(FBN3):c.1121C>G (p.Pro374Arg)

Gene: FBN3 (fibrillin 3; minus strand). Cytogenetic location: 19p13.2.
Variant type: single nucleotide variant.
Coding change: c.1121C>G on transcript NM_032447.5 (MANE Select); coding-DNA position 1121, C replaced by G.
Protein change: p.Pro374Arg; replaces proline 374 with arginine.
Molecular consequence: missense variant.
Genome position (GRCh38, 1-based): chr19:8,138,221, G>C on the plus strand (C>G on the coding strand, the complement: FBN3 is on the minus strand). VCF-style: chr19-8138221-G-C. GRCh37 (hg19) VCF-style: chr19-8203105-G-C.
Other names: c.1121C>G, p.Pro374Arg (NM_001321431.2); short protein forms P374R.
Identifiers: ClinVar variation 735826 (VCV000735826.50), dbSNP rs142847357, ClinGen allele CA9153457.

ClinVar aggregate classification (germline): Benign/Likely benign. Review status: criteria provided, multiple submitters, no conflicts (2 of 4 stars). 3 submissions from 3 submitters: Benign (1); Likely benign (2). Last evaluated 2026-01-13.

Allele frequency attached by ClinVar (database versions not stated): gnomAD 0.00043; ESP Exome Variant Server 0.00046; TOPMed 0.00054; 1000 Genomes Project 30x 0.00062; 1000 Genomes Project 0.00080.

Submissions (3):

Labcorp Genetics (formerly Invitae), Labcorp
Classification: Benign. Last evaluated: 2026-01-13. Review status: criteria provided, single submitter. Criteria: Invitae Variant Classification Sherloc (09022015). Collection method: clinical testing. Allele origin: germline.

CeGaT Center for Human Genetics Tuebingen
Classification: Likely benign. Last evaluated: 2025-10-01. Review status: criteria provided, single submitter. Criteria: CeGaT Center For Human Genetics Tuebingen Variant Classification Criteria Version 2. Collection method: clinical testing. Allele origin: germline. Affected: yes. Observed: 3 variant alleles.
Comment: FBN3: BP4, BS2

Breakthrough Genomics
Classification: Likely benign. Review status: criteria provided, single submitter. Criteria: ACMG Guidelines, 2015. Collection method: not provided. Allele origin: germline. Inheritance: Unknown mechanism. Affected: yes.